The following is an entry in ClinVar:

ClinVar aggregate classification (germline): Uncertain significance (1 of 4 stars; one submission).

Conditions:
Inborn genetic diseases. Identifiers: MedGen C0950123, MeSH D030342.

Submission:

Ambry Genetics
Classification: Uncertain significance for Inborn genetic diseases. Last evaluated: 2021-09-15. Review status: criteria provided, single submitter. Criteria: Ambry Variant Classification Scheme 2023. Collection method: clinical testing. Allele origin: germline.
Comment: The p.I1114L variant (also known as c.3340A>T), located in coding exon 16 of the ATR gene, results from an A to T substitution at nucleotide position 3340. The isoleucine at codon 1114 is replaced by leucine, an amino acid with highly similar properties. This amino acid position is conserved. In addition, this alteration is predicted to be tolerated by in silico analysis. Since supporting evidence is limited at this time, the clinical significance of this alteration remains unclear.

NM_001184.4(ATR):c.3340A>T (p.Ile1114Leu)

Gene: ATR (ATR checkpoint kinase; minus strand). Cytogenetic location: 3q23.
Variant type: single nucleotide variant.
Coding change: c.3340A>T on transcript NM_001184.4 (MANE Select); coding-DNA position 3340, A replaced by T.
Protein change: p.Ile1114Leu; replaces isoleucine 1114 with leucine.
Molecular consequence: missense variant.
Genome position (GRCh38, 1-based): chr3:142,547,742, T>A on the plus strand (A>T on the coding strand, the complement: ATR is on the minus strand). VCF-style: chr3-142547742-T-A. GRCh37 (hg19) VCF-style: chr3-142266584-T-A.
Other names: c.3148A>T, p.Ile1050Leu (NM_001354579.2); short protein forms I1050L, I1114L.
Identifiers: ClinVar variation 1730416 (VCV001730416.2), dbSNP rs781663208, ClinGen allele CA354810344.
Genomic context (GRCh38, chr3:142,547,742, plus strand): 5'-GAAGAAAAACAAACAAAAAAACCTCATAGAACATATTCCTTACCATCAGTTCAGGTGATA[T>A]GATATCTCTCGGGCCCTGATATGGATCATCACTGGATGCAAATGAGGCAAGTATTGACAA-3'
Protein context (NP_001175.2, residues 1104-1124): DDPYQGPRDI[Ile1114Leu]SPELMADYLQ